The following is an entry in ClinVar:

NM_000059.4(BRCA2):c.7418G>A (p.Cys2473Tyr)

Gene: BRCA2 (BRCA2 DNA repair associated; plus strand). Cytogenetic location: 13q13.1.
Variant type: single nucleotide variant.
Coding change: c.7418G>A on transcript NM_000059.4 (MANE Select); coding-DNA position 7418, G replaced by A.
Protein change: p.Cys2473Tyr; replaces cysteine 2473 with tyrosine.
Molecular consequence: missense variant.
Genome position (GRCh38, 1-based): chr13:32,355,271, G>A. VCF-style: chr13-32355271-G-A. GRCh37 (hg19) VCF-style: chr13-32929408-G-A.
Other names: short protein forms C2473Y.
Identifiers: ClinVar variation 52323 (VCV000052323.29), dbSNP rs55924966, ClinGen allele CA025072.

ClinVar aggregate classification (germline): Conflicting classifications of pathogenicity. Review status: criteria provided, conflicting classifications (1 of 4 stars). 8 submissions from 8 submitters: Uncertain significance (5); Likely benign (2). 1 of the submissions does not count toward it. Last evaluated 2025-06-16.

Conditions:
Hereditary breast ovarian cancer syndrome. Also called: Hereditary breast and ovarian cancer syndrome; Hereditary breast and ovarian cancer; Hereditary breast and ovarian cancer syndrome (HBOC); Breast and ovarian cancer; Hereditary breast and/or ovarian cancer syndrome; BRCA1- and BRCA2-Associated Hereditary Breast and Ovarian Cancer. Identifiers: Orphanet 145, MedGen C0677776, MeSH D061325, MONDO:0003582. Disease mechanism: loss of function.
Hereditary cancer-predisposing syndrome. Also called: Neoplastic Syndromes, Hereditary; Tumor predisposition; Hereditary neoplastic syndrome; Hereditary Cancer Syndrome. Identifiers: Orphanet 140162, MedGen C0027672, MeSH D009386, MONDO:0015356.
BRCA2-related cancer predisposition. Identifiers: MedGen CN377758, MONDO:0700269.
Breast-ovarian cancer, familial, susceptibility to, 2 (BROVCA2). Also called: BRCA2 Hereditary Breast and Ovarian Cancer. Identifiers: Orphanet 145, MedGen C2675520, MONDO:0012933, OMIM 612555. Disease mechanism: loss of function.

Allele frequency attached by ClinVar (database versions not stated): gnomAD exomes below 0.00001; TOPMed below 0.00001; gnomAD 0.00002.

Submissions (8):

Women's Health and Genetics/Laboratory Corporation of America, LabCorp
Classification: Uncertain significance. Last evaluated: 2025-06-16. Review status: criteria provided, single submitter. Criteria: LabCorp Variant Classification Summary - May 2015. Collection method: clinical testing. Allele origin: germline.
Comment: Variant summary: BRCA2 c.7418G>A (p.Cys2473Tyr) results in a non-conservative amino acid change in the encoded protein sequence. Algorithms developed to predict the effect of missense changes on protein structure and function are either unavailable or do not agree on the potential impact of this missense change. The variant was absent in 250980 control chromosomes. The available data on variant occurrences in the general population are insufficient to allow any conclusion about variant significance. c.2837A>G has been reported in the literature in an individual affected with breast cancer, however without strong evidence for causality (Encinas_2018). Co-occurrences with another pathogenic BRCA2 variant have been reported (c.5454delA (p.Cys1820AlafsX20) in an internal sample and in the NHGRI BIC database), providing supporting evidence for a benign role. To our knowledge, no experimental evidence demonstrating an impact on protein function has been reported. The following publication has been ascertained in the context of this evaluation (PMID: 29854292). ClinVar contains an entry for this variant (Variation ID: 52323). Based on the evidence outlined above, the variant was classified as VUS-possibly benign.

Labcorp Genetics (formerly Invitae), Labcorp
Classification: Likely benign for Hereditary breast ovarian cancer syndrome. Last evaluated: 2024-12-18. Review status: criteria provided, single submitter. Criteria: Invitae Variant Classification Sherloc (09022015). Collection method: clinical testing. Allele origin: germline.

All of Us Research Program, National Institutes of Health
Classification: Uncertain significance for BRCA2-related cancer predisposition. Last evaluated: 2024-05-14. Review status: criteria provided, single submitter. Criteria: ACMG Guidelines, 2015. Collection method: clinical testing. Allele origin: germline. Inheritance: Autosomal dominant inheritance. Observed: 2 variant alleles, 2 heterozygotes.
Comment: This missense variant replaces cysteine with tyrosine at codon 2473 of the BRCA2 protein. Computational prediction suggests that this variant may not impact protein structure and function (internally defined REVEL score threshold <= 0.5, PMID: 27666373). To our knowledge, functional studies have not been reported for this variant. This variant has been reported in an individual affected with breast cancer (PMID: 29854292). This variant has not been identified in the general population by the Genome Aggregation Database (gnomAD). The available evidence is insufficient to determine the role of this variant in disease conclusively. Therefore, this variant is classified as a Variant of Uncertain Significance.

This study involves interpretation of variants in research participants for the purpose of population health screening. Participant phenotype was not available at the time of variant classification. Additional details can be found in publication PMID: 35346344, PMCID: PMC8962531

Color Diagnostics, LLC DBA Color Health
Classification: Uncertain significance for Hereditary cancer-predisposing syndrome. Last evaluated: 2024-04-24. Review status: criteria provided, single submitter. Criteria: ACMG Guidelines, 2015. Collection method: clinical testing. Allele origin: germline.
Comment: This missense variant replaces cysteine with tyrosine at codon 2473 of the BRCA2 protein. Computational prediction suggests that this variant may not impact protein structure and function. To our knowledge, functional studies have not been reported for this variant. This variant has been reported in an individual affected with breast cancer (PMID: 29854292). This variant has not been identified in the general population by the Genome Aggregation Database (gnomAD). The available evidence is insufficient to determine the role of this variant in disease conclusively. Therefore, this variant is classified as a Variant of Uncertain Significance.

GeneDx
Classification: Uncertain significance. Last evaluated: 2023-03-08. Review status: criteria provided, single submitter. Criteria: GeneDx Variant Classification Process June 2021. Collection method: clinical testing. Allele origin: germline. Affected: yes.
Comment: Not observed at significant frequency in large population cohorts (gnomAD); In silico analysis supports that this missense variant does not alter protein structure/function; Also known as 7646G>A; This variant is associated with the following publications: (PMID: 29884841, 32377563, 29854292, 31191615)

Quest Diagnostics Nichols Institute San Juan Capistrano
Classification: Uncertain significance. Last evaluated: 2019-11-29. Review status: criteria provided, single submitter. Criteria: Quest Diagnostics criteria. Collection method: clinical testing. Allele origin: unknown.

Ambry Genetics
Classification: Likely benign for Hereditary cancer-predisposing syndrome. Last evaluated: 2018-04-30. Review status: criteria provided, single submitter. Criteria: Ambry Variant Classification Scheme 2023. Collection method: clinical testing. Allele origin: germline.

Breast Cancer Information Core (BIC) (BRCA2)
Classification: Uncertain significance for Breast-ovarian cancer, familial 2. Review status: no assertion criteria provided. Collection method: clinical testing. Allele origin: germline. Affected: yes. Observed: 1 variant allele. Not counted in ClinVar's aggregate classification.

Literature cited by the submitters: PubMed 29854292 (cited by 4 submitters).